The following is an entry in ClinVar:

NM_001330700.2(TOP2B):c.1912G>A (p.Gly638Ser)

Gene: TOP2B (DNA topoisomerase II beta; minus strand). Cytogenetic location: 3p24.2.
Variant type: single nucleotide variant.
Coding change: c.1912G>A on transcript NM_001330700.2 (MANE Select); coding-DNA position 1912, G replaced by A.
Protein change: p.Gly638Ser; replaces glycine 638 with serine.
Molecular consequence: missense variant.
Genome position (GRCh38, 1-based): chr3:25,627,291, C>T on the plus strand (G>A on the coding strand, the complement: TOP2B is on the minus strand). VCF-style: chr3-25627291-C-T. GRCh37 (hg19) VCF-style: chr3-25668782-C-T.
Other names: c.1897G>A, p.Gly633Ser (NM_001068.3); short protein forms G633S, G638S.
Identifiers: ClinVar variation 1319984 (VCV001319984.3), dbSNP rs2125373730, ClinGen allele CA351906807.

ClinVar aggregate classification (germline): Conflicting classifications of pathogenicity. Review status: criteria provided, conflicting classifications (1 of 4 stars). 3 submissions from 3 submitters: Pathogenic (1); Uncertain significance (1). 1 of the submissions does not count toward it. Last evaluated 2024-01-26.

Conditions:
B-cell immunodeficiency, distal limb anomalies, and urogenital malformations. Also called: HOFFMAN SYNDROME; BILU SYNDROME. Identifiers: Orphanet 567502, MedGen C1836437, MONDO:0012243, OMIM 609296.

Submissions (3):

3billion
Classification: Uncertain significance for B-cell immunodeficiency, distal limb anomalies, and urogenital malformations. Last evaluated: 2024-01-26. Review status: criteria provided, single submitter. Criteria: ACMG Guidelines, 2015. Collection method: clinical testing. Allele origin: germline. Affected: yes.
Comment: The variant is not observed in the gnomAD v2.1.1 dataset. Predicted Consequence/Location: Missense changes are a common disease-causing mechanism. In silico tool predictions suggest damaging effect of the variant on gene or gene product [REVEL: 0.95 (>=0.6, sensitivity 0.68 and specificity 0.92)]. Same nucleotide change resulting in same amino acid change has been previously reported to be associated with TOP2B related disorder (ClinVar ID: VCV001319984 /PMID: 31409799). However, the evidence of pathogenicity is insufficient at this time. Therefore, this variant is classified as VUS according to the recommendation of ACMG/AMP guideline.

Neuberg Centre For Genomic Medicine, NCGM
Classification: Pathogenic for B-cell immunodeficiency, distal limb anomalies, and urogenital malformations. Review status: criteria provided, single submitter. Criteria: ACMG Guidelines, 2015. Collection method: clinical testing. Allele origin: germline. Inheritance: Autosomal dominant inheritance. Affected: yes.
Comment: The missense variant c.1912G>A(p.Gly638Ser) in TOP2B gene has been reported in heterozygous state in individual(s) affected with TOP2B related immunodeficiency (Broderick, et. al., 2019; Morotomi-Yano et. al., 2022). Experimental studies have shown the effect of missense change on TOP2B gene functions (Broderick, et. al., 2019). The observed variant is absent in gnomAD exomes database. This variant has been submitted to the ClinVar database as Pathogenic. Multiple lines of computational evidence (Polyphen - probably damaging, SIFT - damaging and MutationTaster - disease causing) predict a damaging effect on protein structure and function for this variant. The reference amino acid change p.Gly638Ser in TOP2B is predicted as conserved by GERP++ and PhyloP across 100 vertebrates. The amino acid Gly at position 638 is changed to a Ser changing protein sequence and it might alter its composition and physico-chemical properties. For these reasons, this variant has been classified as Pathogenic.

OMIM
Classification: Pathogenic for B-CELL IMMUNODEFICIENCY, DISTAL LIMB ANOMALIES, AND UROGENITAL MALFORMATIONS. Last evaluated: 2021-11-04. Review status: no assertion criteria provided. Collection method: literature only. Allele origin: germline. Not counted in ClinVar's aggregate classification.

Literature cited by the submitters: PubMed 31409799 (cited by 3billion and OMIM); PubMed 22002929 (cited by OMIM).